The following is an entry in ClinVar:

ClinVar aggregate classification (germline): Uncertain significance (1 of 4 stars; one submission).

Allele frequency attached by ClinVar (database versions not stated): TOPMed below 0.00001; gnomAD 0.00001; gnomAD exomes 0.00002.
gnomAD v4.1: 27 of 1,613,792 alleles (0.0017%); highest among the groups gnomAD compares: Non-Finnish European, 0.0023%; no homozygotes.

Submission:

CeGaT Center for Human Genetics Tuebingen
Classification: Uncertain significance. Last evaluated: 2024-01-01. Review status: criteria provided, single submitter. Criteria: CeGaT Center For Human Genetics Tuebingen Variant Classification Criteria Version 2. Collection method: clinical testing. Allele origin: germline. Affected: yes. Observed: 1 variant allele.
Comment: SMARCA2: PP2

NM_003070.5(SMARCA2):c.1726G>A (p.Ala576Thr)

Gene: SMARCA2 (SWI/SNF related BAF chromatin remodeling complex subunit ATPase 2; plus strand). Cytogenetic location: 9p24.3.
Variant type: single nucleotide variant.
Coding change: c.1726G>A on transcript NM_003070.5 (MANE Select); coding-DNA position 1726, G replaced by A.
Protein change: p.Ala576Thr; replaces alanine 576 with threonine.
Molecular consequence: missense variant.
Genome position (GRCh38, 1-based): chr9:2,070,451, G>A. VCF-style: chr9-2070451-G-A. GRCh37 (hg19) VCF-style: chr9-2070451-G-A.
Other names: c.1726G>A, p.Ala576Thr (NM_001289396.2, NM_001289397.2, NM_139045.4); short protein forms A576T.
Identifiers: ClinVar variation 3026860 (VCV003026860.21), dbSNP rs1473004607, ClinGen allele CA372782852.